The following is an entry in ClinVar:

ClinVar aggregate classification (germline): Likely benign (0 of 4 stars; one submission).

Conditions:
FAAH2-related disorder. Also called: FAAH2-related condition.

Allele frequency attached by ClinVar (database versions not stated): ExAC 0.00036; TOPMed 0.00037; gnomAD 0.00044; ESP Exome Variant Server 0.00076.
gnomAD v4.1: 614 of 1,209,513 alleles (0.051%); highest among the groups gnomAD compares: Middle Eastern, 0.14%; no homozygotes.

Submission:

PreventionGenetics, part of Exact Sciences
Classification: Likely benign for FAAH2-related condition. Last evaluated: 2023-04-10. Review status: no assertion criteria provided. Collection method: clinical testing. Allele origin: germline.
Comment: This variant is classified as likely benign based on ACMG/AMP sequence variant interpretation guidelines (Richards et al. 2015 PMID: 25741868, with internal and published modifications).

NM_174912.4(FAAH2):c.1483G>A (p.Gly495Arg)

Gene: FAAH2 (fatty acid amide hydrolase 2; plus strand). Cytogenetic location: Xp11.21.
Variant type: single nucleotide variant.
Coding change: c.1483G>A on transcript NM_174912.4 (MANE Select); coding-DNA position 1483, G replaced by A.
Protein change: p.Gly495Arg; replaces glycine 495 with arginine.
Molecular consequence: missense variant. On other transcripts: non-coding transcript variant (2).
Genome position (GRCh38, 1-based): chrX:57,488,816, G>A. VCF-style: chrX-57488816-G-A. GRCh37 (hg19) VCF-style: chrX-57515249-G-A.
Other names: c.1363G>A, p.Gly455Arg (NM_001353840.1); c.1273G>A, p.Gly425Arg (NM_001353841.1); short protein forms G425R, G455R, G495R.
Identifiers: ClinVar variation 3039782 (VCV003039782.2), dbSNP rs139175109, ClinGen allele CA10430952.